The following is an entry in ClinVar:

NM_213653.4(HJV):c.820G>A (p.Val274Met)

Gene: HJV (hemojuvelin BMP co-receptor; minus strand). Cytogenetic location: 1q21.1.
Variant type: single nucleotide variant.
Coding change: c.820G>A on transcript NM_213653.4 (MANE Select); coding-DNA position 820, G replaced by A.
Protein change: p.Val274Met; replaces valine 274 with methionine.
Molecular consequence: missense variant.
Genome position (GRCh38, 1-based): chr1:146,018,538, C>T on the plus strand (G>A on the coding strand, the complement: HJV is on the minus strand). VCF-style: chr1-146018538-C-T. GRCh37 (hg19) VCF-style: chr1-145416475-G-A.
Other names: c.142G>A, p.Val48Met (NM_001316767.2, NM_202004.4, NM_213652.4); c.820G>A, p.Val274Met (NM_001379352.1); c.481G>A, p.Val161Met (NM_145277.5); short protein forms V161M, V274M, V48M.
Identifiers: ClinVar variation 2501024 (VCV002501024.2), dbSNP rs187777957, ClinGen allele CA1053904.
Genomic context (GRCh38, chr1:146,018,538, plus strand): 5'-GCTGCCCAGCTGTCTGCCGAATGATTATAGTTGTGCCAATGTAGGCAGCTTGGATCTCCA[C>T]ATGGTTCCCAGGGTTAGCAGTTTGAATCGACAAACTGGATCCCCCAGGTCGGTCACCTCC-3'
Protein context (NP_998818.1, residues 264-284): SIQTANPGNH[Val274Met]EIQAAYIGTT

ClinVar aggregate classification (germline): Uncertain significance. Review status: criteria provided, single submitter (1 of 4 stars). 2 submissions from 2 submitters: Uncertain significance (1). 1 of the submissions does not count toward it. Last evaluated 2023-03-23.

Conditions:
HJV-related disorder. Also called: HJV-related condition.

Allele frequency attached by ClinVar (database versions not stated): TOPMed 0.00003; gnomAD 0.00007; gnomAD exomes 0.00009; ExAC 0.00010; 1000 Genomes Project 0.00060; 1000 Genomes Project 30x 0.00078.

Submissions (2):

Women's Health and Genetics/Laboratory Corporation of America, LabCorp
Classification: Uncertain significance. Last evaluated: 2023-03-23. Review status: criteria provided, single submitter. Criteria: LabCorp Variant Classification Summary - May 2015. Collection method: clinical testing. Allele origin: germline.
Comment: Variant summary: HJV c.820G>A (p.Val274Met) results in a conservative amino acid change in the encoded protein sequence. Three of four in-silico tools predict a damaging effect of the variant on protein function. The variant allele was found at a frequency of 7.8e-05 in 282896 control chromosomes (gnomAD). This frequency is not significantly higher than estimated for a pathogenic variant in HJV causing Hemochromatosis Type 2A (7.8e-05 vs 0.0011), allowing no conclusion about variant significance. c.820G>A has been reported in the literature in individuals affected with Juvenile Hemochromatosis and iron overload (example: Kawaguchi_2020 and Lv_2018). However, available information in these reports do not provide unequivocal conclusions about association of the variant with Hemochromatosis Type 2A. To our knowledge, no experimental evidence demonstrating an impact on protein function has been reported. No clinical diagnostic laboratories have submitted clinical-significance assessments for this variant to ClinVar after 2014. Based on the evidence outlined above, the variant was classified as uncertain significance.

PreventionGenetics, part of Exact Sciences
Classification: Uncertain significance for HJV-related condition. Last evaluated: 2024-08-28. Review status: no assertion criteria provided. Collection method: clinical testing. Allele origin: germline. Not counted in ClinVar's aggregate classification.
Comment: The HJV c.820G>A variant is predicted to result in the amino acid substitution p.Val274Met. This variant was reported in the compound heterozygous state in two individuals with hemochromatosis (Case H40*, Lv et al. 2018. PubMed ID: 30166352; Kawaguchi et al. 2019. PubMed ID: 31472034). This variant is reported in 0.11% of alleles in individuals of East Asian descent in gnomAD. At this time, the clinical significance of this variant is uncertain due to the absence of conclusive functional and genetic evidence.

Literature cited by the submitters: PubMed 31472034 (cited by Women's Health and Genetics/Laboratory Corporation of America, LabCorp); PubMed 30166352 (cited by Women's Health and Genetics/Laboratory Corporation of America, LabCorp); PubMed 34583728 (cited by Women's Health and Genetics/Laboratory Corporation of America, LabCorp); PubMed 30500107 (cited by Women's Health and Genetics/Laboratory Corporation of America, LabCorp).